The following is an entry in ClinVar:

NM_018676.4(THSD1):c.2303A>G (p.Lys768Arg)

Gene: THSD1 (thrombospondin type 1 domain containing 1; minus strand). Cytogenetic location: 13q14.3.
Variant type: single nucleotide variant.
Coding change: c.2303A>G on transcript NM_018676.4 (MANE Select); coding-DNA position 2303, A replaced by G.
Protein change: p.Lys768Arg; replaces lysine 768 with arginine.
Molecular consequence: missense variant.
Genome position (GRCh38, 1-based): chr13:52,377,667, T>C on the plus strand (A>G on the coding strand, the complement: THSD1 is on the minus strand). VCF-style: chr13-52377667-T-C. GRCh37 (hg19) VCF-style: chr13-52951802-T-C.
Other names: c.2144A>G, p.Lys715Arg (NM_199263.3); short protein forms K715R, K768R.
Identifiers: ClinVar variation 3037862 (VCV003037862.2), dbSNP rs9536041, ClinGen allele CA6991786.

ClinVar aggregate classification (germline): Benign (0 of 4 stars; one submission).

Conditions:
THSD1-related disorder. Also called: THSD1-related condition.

Allele frequency attached by ClinVar (database versions not stated): 1000 Genomes Project 0.02995; 1000 Genomes Project 30x 0.02998; TOPMed 0.03642; gnomAD 0.03879; ESP Exome Variant Server 0.04283; ExAC 0.04446; gnomAD exomes 0.04776.
gnomAD v4.1: 75,536 of 1,610,070 alleles (4.7%); highest among the groups gnomAD compares: Middle Eastern, 7.6%; 2,000 homozygotes.

Submission:

PreventionGenetics, part of Exact Sciences
Classification: Benign for THSD1-related condition. Last evaluated: 2024-07-23. Review status: no assertion criteria provided. Collection method: clinical testing. Allele origin: germline.
Comment: This variant is classified as benign based on ACMG/AMP sequence variant interpretation guidelines (Richards et al. 2015 PMID: 25741868, with internal and published modifications).